The following is an entry in ClinVar:

ClinVar aggregate classification (germline): Uncertain significance (1 of 4 stars; one submission).

Conditions:
RYR1-related disorder. Also called: RYR1-related condition; RYR1-related disorders. Identifiers: MedGen CN239331.

Submission:

Labcorp Genetics (formerly Invitae), Labcorp
Classification: Uncertain significance for RYR1-related disorder. Last evaluated: 2025-10-02. Review status: criteria provided, single submitter. Criteria: Invitae Variant Classification Sherloc (09022015). Collection method: clinical testing. Allele origin: germline.
Comment: This sequence change replaces threonine, which is neutral and polar, with alanine, which is neutral and non-polar, at codon 2143 of the RYR1 protein (p.Thr2143Ala). This variant is not present in population databases (gnomAD no frequency). This variant has not been reported in the literature in individuals affected with RYR1-related conditions. ClinVar contains an entry for this variant (Variation ID: 1513024). Invitae Evidence Modeling of protein sequence and biophysical properties (such as structural, functional, and spatial information, amino acid conservation, physicochemical variation, residue mobility, and thermodynamic stability) indicates that this missense variant is not expected to disrupt RYR1 protein function with a negative predictive value of 80%. In summary, the available evidence is currently insufficient to determine the role of this variant in disease. Therefore, it has been classified as a Variant of Uncertain Significance.

NM_000540.3(RYR1):c.6427A>G (p.Thr2143Ala)

Gene: RYR1 (ryanodine receptor 1; plus strand). Cytogenetic location: 19q13.2.
Variant type: single nucleotide variant.
Coding change: c.6427A>G on transcript NM_000540.3 (MANE Select); coding-DNA position 6427, A replaced by G.
Protein change: p.Thr2143Ala; replaces threonine 2143 with alanine.
Molecular consequence: missense variant.
Genome position (GRCh38, 1-based): chr19:38,494,504, A>G. VCF-style: chr19-38494504-A-G. GRCh37 (hg19) VCF-style: chr19-38985144-A-G.
Other names: c.6427A>G, p.Thr2143Ala (NM_001042723.2); short protein forms T2143A.
Identifiers: ClinVar variation 1513024 (VCV001513024.6), dbSNP rs2145578069, ClinGen allele CA405664026.
Genomic context (GRCh38, chr19:38,494,504, plus strand): 5'-CTCCTGCACCGGCAGTACGACGGGCTGGGTGAGCTGCTGCGTGCCCTGCCGCGGGCGTAC[A>G]CCATCTCACCGTCCTCCGTGGAAGACACCATGAGCCTGCTCGAGTGCCTCGGCCAGATCC-3'
Protein context (NP_000531.2, residues 2133-2153): ELLRALPRAY[Thr2143Ala]ISPSSVEDTM